The following is an entry in ClinVar:

NM_000548.5(TSC2):c.5294_5295dup (p.Pro1766fs)

Gene: TSC2 (TSC complex subunit 2; plus strand). Cytogenetic location: 16p13.3.
Variant type: Duplication.
Coding change: c.5294_5295dup on transcript NM_000548.5 (MANE Select); coding-DNA positions 5294 to 5295, 2 bases duplicated (TA; older notation c.5294_5295dupTA).
Protein change: p.Pro1766fs; shifts the reading frame from proline 1766.
Molecular consequence: frameshift variant. On other transcripts: non-coding transcript variant (5).
Genome position (GRCh38, 1-based): chr16:2,088,480-2,088,481, TA duplicated. VCF-style (leftmost placement, unchanged base first): chr16-2088479-C-CTA. GRCh37 (hg19) VCF-style: chr16-2138480-C-CTA.
Other names: c.5093_5094dup, p.Pro1699fs (NM_001077183.3); c.5225_5226dup, p.Pro1743fs (NM_001114382.3); c.4985_4986dup, p.Pro1663fs (NM_001318827.2); c.4949_4950dup, p.Pro1651fs (NM_001318829.2); c.4562_4563dup, p.Pro1522fs (NM_001318831.2); c.5126_5127dup, p.Pro1710fs (NM_001318832.2); c.5096_5097dup, p.Pro1700fs (NM_001363528.2); c.5162_5163dup, p.Pro1722fs (NM_001370404.1); and 28 more; short protein forms P1165fs, P1251fs, P1252fs, P1274fs, P1275fs, P1295fs, P1499fs, P1500fs.
Identifiers: ClinVar variation 4866130 (VCV004866130.1).

ClinVar aggregate classification (germline): Likely pathogenic (1 of 4 stars; one submission).

Conditions:
Hereditary cancer-predisposing syndrome. Also called: Neoplastic Syndromes, Hereditary; Tumor predisposition; Hereditary Cancer Syndrome; Hereditary neoplastic syndrome. Identifiers: Orphanet 140162, MedGen C0027672, MeSH D009386, MONDO:0015356.

Submission:

Ambry Genetics
Classification: Likely pathogenic for Hereditary cancer-predisposing syndrome. Last evaluated: 2026-05-28. Review status: criteria provided, single submitter. Criteria: Ambry Variant Classification Scheme 2023. Collection method: clinical testing. Allele origin: germline.
Comment: The c.5294_5295dupTA variant, located in coding exon 41 of the TSC2 gene, results from a duplication of TA at nucleotide position 5294, causing a translational frameshift with a predicted alternate stop codon (p.P1766Yfs*61). This variant occurs at the 3' terminus of thegene, is not expected to trigger nonsense-mediated mRNAdecay and results in the elongation of the protein by18 amino acids. This frameshift impacts the last 2.2% of the native protein. However, frameshifts are typically deleterious in nature and the impacted region is critical for protein function (Ambry internal data). This variant was reported in individual(s) with features consistent with tuberous sclerosis complex (Ambry internal data). This variant is considered to be rare based on population cohorts in the Genome Aggregation Database (gnomAD). Based on the majority of available evidence to date, this variant is likely to be pathogenic.